The following is an entry in ClinVar:

ClinVar aggregate classification (germline): Uncertain significance (1 of 4 stars; one submission).

Allele frequency attached by ClinVar (database versions not stated): gnomAD exomes below 0.00001.
gnomAD v4.1: 3 of 1,613,888 alleles (0.00019%); highest among the groups gnomAD compares: Non-Finnish European, 0.00025%; no homozygotes.

Submission:

Labcorp Genetics (formerly Invitae), Labcorp
Classification: Uncertain significance. Last evaluated: 2023-10-03. Review status: criteria provided, single submitter. Criteria: Invitae Variant Classification Sherloc (09022015). Collection method: clinical testing. Allele origin: germline.
Comment: This sequence change replaces alanine, which is neutral and non-polar, with threonine, which is neutral and polar, at codon 772 of the PCLO protein (p.Ala772Thr). This variant is not present in population databases (gnomAD no frequency). This variant has not been reported in the literature in individuals affected with PCLO-related conditions. ClinVar contains an entry for this variant (Variation ID: 1347941). Algorithms developed to predict the effect of missense changes on protein structure and function output the following: SIFT: "Not Available"; PolyPhen-2: "Not Available"; Align-GVGD: "Not Available". The threonine amino acid residue is found in multiple mammalian species, which suggests that this missense change does not adversely affect protein function. In summary, the available evidence is currently insufficient to determine the role of this variant in disease. Therefore, it has been classified as a Variant of Uncertain Significance.

NM_033026.6(PCLO):c.2314G>A (p.Ala772Thr)

Gene: PCLO (piccolo presynaptic cytomatrix protein; minus strand). Cytogenetic location: 7q21.11.
Variant type: single nucleotide variant.
Coding change: c.2314G>A on transcript NM_033026.6 (MANE Select); coding-DNA position 2314, G replaced by A.
Protein change: p.Ala772Thr; replaces alanine 772 with threonine.
Molecular consequence: missense variant.
Genome position (GRCh38, 1-based): chr7:83,135,236, C>T on the plus strand (G>A on the coding strand, the complement: PCLO is on the minus strand). VCF-style: chr7-83135236-C-T. GRCh37 (hg19) VCF-style: chr7-82764552-C-T.
Other names: c.2314G>A, p.Ala772Thr (NM_014510.3); short protein forms A772T.
Identifiers: ClinVar variation 1347941 (VCV001347941.4), dbSNP rs2116618142, ClinGen allele CA367903102.